The following is an entry in ClinVar:

NM_015122.3(FCHO1):c.2479G>A (p.Gly827Ser)

Gene: FCHO1 (FCH and mu domain containing endocytic adaptor 1; plus strand). Cytogenetic location: 19p13.11.
Variant type: single nucleotide variant.
Coding change: c.2479G>A on transcript NM_015122.3 (MANE Select); coding-DNA position 2479, G replaced by A.
Protein change: p.Gly827Ser; replaces glycine 827 with serine.
Molecular consequence: missense variant. On other transcripts: non-coding transcript variant (36).
Genome position (GRCh38, 1-based): chr19:17,786,626, G>A. VCF-style: chr19-17786626-G-A. GRCh37 (hg19) VCF-style: chr19-17897435-G-A.
Other names: c.2479G>A, p.Gly827Ser (NM_001161357.2, NM_001161358.2, NM_001384370.1 and 11 more transcripts); c.2329G>A, p.Gly777Ser (NM_001161359.2, NM_001384384.1, NM_001384385.1 and 1 more transcripts); c.2362G>A, p.Gly788Ser (NM_001384392.1, NM_001384393.1, NM_001384394.1 and 1 more transcripts); c.2203G>A, p.Gly735Ser (NM_001384396.1, NM_001384397.1, NM_001384398.1 and 4 more transcripts); c.2458G>A, p.Gly820Ser (NM_001384387.1); c.2440G>A, p.Gly814Ser (NM_001384388.1, NM_001384389.1); c.2404G>A, p.Gly802Ser (NM_001384390.1); c.2279G>A, p.Arg760Lys (NM_001384391.1); and 5 more; short protein forms G526S, G703S, G720S, G735S, G777S, G788S, G802S, G814S.
Identifiers: ClinVar variation 1713975 (VCV001713975.5), dbSNP rs2514360322, ClinGen allele CA404758708.
Genomic context (GRCh38, chr19:17,786,626, plus strand): 5'-TCTGCCAGGAACCTGGAGGAGAAGCGGCTCACTTGGAGGCTTCCAGATGTGTCCGAGGCA[G>A]GCGGTGAGCTGTGGTTGTGTATGAGGGCTGGGTGGGAGGGACTGGGGTCAGGTGGGAGGC-3'
Protein context (NP_055937.1, residues 817-837): TWRLPDVSEA[Gly827Ser]GSGRLSASWE

ClinVar aggregate classification (germline): Uncertain significance (1 of 4 stars; one submission).

Submission:

Labcorp Genetics (formerly Invitae), Labcorp
Classification: Uncertain significance. Last evaluated: 2022-07-27. Review status: criteria provided, single submitter. Criteria: Invitae Variant Classification Sherloc (09022015). Collection method: clinical testing. Allele origin: germline.
Comment: This sequence change replaces glycine, which is neutral and non-polar, with serine, which is neutral and polar, at codon 827 of the FCHO1 protein (p.Gly827Ser). This variant is not present in population databases (gnomAD no frequency). In summary, the available evidence is currently insufficient to determine the role of this variant in disease. Therefore, it has been classified as a Variant of Uncertain Significance. This variant has not been reported in the literature in individuals affected with FCHO1-related conditions. Algorithms developed to predict the effect of missense changes on protein structure and function are either unavailable or do not agree on the potential impact of this missense change (SIFT: "Tolerated"; PolyPhen-2: "Possibly Damaging"; Align-GVGD: "Class C0").